The following is an entry in ClinVar:

NM_015202.5(KATNIP):c.3884A>G (p.His1295Arg)

Gene: KATNIP (katanin interacting protein; plus strand). Cytogenetic location: 16p12.1.
Variant type: single nucleotide variant.
Coding change: c.3884A>G on transcript NM_015202.5 (MANE Select); coding-DNA position 3884, A replaced by G.
Protein change: p.His1295Arg; replaces histidine 1295 with arginine.
Molecular consequence: missense variant.
Genome position (GRCh38, 1-based): chr16:27,766,383, A>G. VCF-style: chr16-27766383-A-G. GRCh37 (hg19) VCF-style: chr16-27777704-A-G.
Other names: c.3884A>G (NM_015202.2); short protein forms H1295R.
Identifiers: ClinVar variation 2578761 (VCV002578761.25), dbSNP rs770858972, ClinGen allele CA7978413.
Genomic context (GRCh38, chr16:27,766,383, plus strand): 5'-CCAACATCACCATGGAGGATGAGCATATGTGGCTGATCCCCTTCTCGCCGGGGCTGGACC[A>G]TGTGGTCACGATCCGCCTGGACAGGGCCGAAAGCATCGCAGGCCTGCGCTTCTGGAACTA-3'
Protein context (NP_056017.4, residues 1285-1305): WLIPFSPGLD[His1295Arg]VVTIRLDRAE

ClinVar aggregate classification (germline): Uncertain significance. Review status: criteria provided, multiple submitters, no conflicts (2 of 4 stars). 2 submissions from 2 submitters: Uncertain significance (2). Last evaluated 2025-09-26.

Allele frequency attached by ClinVar (database versions not stated): gnomAD exomes 0.00001; TOPMed 0.00002; ExAC 0.00003; gnomAD 0.00003.
gnomAD v4.1: 26 of 1,614,172 alleles (0.0016%); highest among the groups gnomAD compares: East Asian, 0.0022%; no homozygotes.

Submissions (2):

Ambry Genetics
Classification: Uncertain significance. Last evaluated: 2025-09-26. Review status: criteria provided, single submitter. Criteria: Ambry Variant Classification Scheme 2023. Collection method: clinical testing. Allele origin: germline.

CeGaT Center for Human Genetics Tuebingen
Classification: Uncertain significance. Last evaluated: 2023-07-01. Review status: criteria provided, single submitter. Criteria: CeGaT Center For Human Genetics Tuebingen Variant Classification Criteria Version 2. Collection method: clinical testing. Allele origin: germline. Affected: yes. Observed: 1 variant allele.
Comment: KATNIP: PM2